The following is an entry in ClinVar:

NM_020944.3(GBA2):c.1436C>T (p.Ala479Val)

Gene: GBA2 (glucosylceramidase beta 2; minus strand). Cytogenetic location: 9p13.3.
Variant type: single nucleotide variant.
Coding change: c.1436C>T on transcript NM_020944.3 (MANE Select); coding-DNA position 1436, C replaced by T.
Protein change: p.Ala479Val; replaces alanine 479 with valine.
Molecular consequence: missense variant.
Genome position (GRCh38, 1-based): chr9:35,739,774, G>A on the plus strand (C>T on the coding strand, the complement: GBA2 is on the minus strand). VCF-style: chr9-35739774-G-A. GRCh37 (hg19) VCF-style: chr9-35739771-G-A.
Other names: c.1436C>T, p.Ala479Val (NM_001330660.2); c.1436C>T (NM_020944.2); short protein forms A479V.
Identifiers: ClinVar variation 1436403 (VCV001436403.8), dbSNP rs373844114, ClinGen allele CA5050399.

ClinVar aggregate classification (germline): Uncertain significance. Review status: criteria provided, multiple submitters, no conflicts (2 of 4 stars). 3 submissions from 3 submitters: Uncertain significance (3). Last evaluated 2025-09-22.

Conditions:
Inborn genetic diseases. Identifiers: MedGen C0950123, MeSH D030342.
Spastic paraplegia. Identifiers: MedGen C0037772, HP:0001258.

Allele frequency attached by ClinVar (database versions not stated): gnomAD 0.00003 and 0.00004; TOPMed 0.00003; gnomAD exomes 0.00007; ExAC 0.00008; ESP Exome Variant Server 0.00008.
gnomAD v4.1: 113 of 1,613,914 alleles (0.007%); highest among the groups gnomAD compares: Non-Finnish European, 0.0089%; no homozygotes.

Submissions (3):

Ambry Genetics
Classification: Uncertain significance for Inborn genetic diseases. Last evaluated: 2025-09-22. Review status: criteria provided, single submitter. Criteria: Ambry Variant Classification Scheme 2023. Collection method: clinical testing. Allele origin: germline.

Labcorp Genetics (formerly Invitae), Labcorp
Classification: Uncertain significance for Spastic paraplegia. Last evaluated: 2022-08-07. Review status: criteria provided, single submitter. Criteria: Invitae Variant Classification Sherloc (09022015). Collection method: clinical testing. Allele origin: germline.
Comment: This variant has not been reported in the literature in individuals affected with GBA2-related conditions. This variant is present in population databases (rs373844114, gnomAD 0.01%). This sequence change replaces alanine, which is neutral and non-polar, with valine, which is neutral and non-polar, at codon 479 of the GBA2 protein (p.Ala479Val). In summary, the available evidence is currently insufficient to determine the role of this variant in disease. Therefore, it has been classified as a Variant of Uncertain Significance. Algorithms developed to predict the effect of missense changes on protein structure and function are either unavailable or do not agree on the potential impact of this missense change (SIFT: "Deleterious"; PolyPhen-2: "Probably Damaging"; Align-GVGD: "Class C0"). ClinVar contains an entry for this variant (Variation ID: 1436403).

Blueprint Genetics
Classification: Uncertain significance. Last evaluated: 2019-07-17. Review status: criteria provided, single submitter. Criteria: ACMG Guidelines, 2015. Collection method: clinical testing. Allele origin: germline.